The following is an entry in ClinVar:

NM_001103146.3(GIGYF2):c.1366C>T (p.Pro456Ser)

Gene: GIGYF2 (GRB10 interacting GYF protein 2; plus strand). Cytogenetic location: 2q37.1.
Variant type: single nucleotide variant.
Coding change: c.1366C>T on transcript NM_001103146.3 (MANE Select); coding-DNA position 1366, C replaced by T.
Protein change: p.Pro456Ser; replaces proline 456 with serine.
Molecular consequence: missense variant. On other transcripts: non-coding transcript variant (1).
Genome position (GRCh38, 1-based): chr2:232,794,831, C>T. VCF-style: chr2-232794831-C-T. GRCh37 (hg19) VCF-style: chr2-233659541-C-T.
Other names: c.1429C>T, p.Pro477Ser (NM_001103147.2); c.1348C>T, p.Pro450Ser (NM_001103148.2); c.1366C>T, p.Pro456Ser (NM_015575.4); short protein forms P450S, P456S, P477S.
Identifiers: ClinVar variation 1695547 (VCV001695547.2), dbSNP rs780728520, ClinGen allele CA2170344.

ClinVar aggregate classification (germline): Uncertain significance (1 of 4 stars; one submission).

Allele frequency attached by ClinVar (database versions not stated): ExAC 0.00001; gnomAD exomes 0.00001.
gnomAD v4.1: 7 of 1,613,742 alleles (0.00043%); highest among the groups gnomAD compares: Non-Finnish European, 0.00059%; no homozygotes.

Submission:

GeneDx
Classification: Uncertain significance. Last evaluated: 2022-01-09. Review status: criteria provided, single submitter. Criteria: GeneDx Variant Classification Process June 2021. Collection method: clinical testing. Allele origin: germline. Affected: yes.
Comment: Not observed at significant frequency in large population cohorts (gnomAD); In silico analysis supports that this missense variant does not alter protein structure/function; Has not been previously published as pathogenic or benign to our knowledge